The following is an entry in ClinVar:

NM_006514.4(SCN10A):c.1472G>T (p.Gly491Val)

Gene: SCN10A (sodium voltage-gated channel alpha subunit 10; minus strand). Cytogenetic location: 3p22.2.
Variant type: single nucleotide variant.
Coding change: c.1472G>T on transcript NM_006514.4 (MANE Select); coding-DNA position 1472, G replaced by T.
Protein change: p.Gly491Val; replaces glycine 491 with valine.
Molecular consequence: missense variant. On other transcripts: intron variant (1).
Genome position (GRCh38, 1-based): chr3:38,752,502, C>A on the plus strand (G>T on the coding strand, the complement: SCN10A is on the minus strand). VCF-style: chr3-38752502-C-A. GRCh37 (hg19) VCF-style: chr3-38793993-C-A.
Other names: c.1472G>T, p.Gly491Val (NM_001293306.2); c.1462-2318G>T (NM_001293307.2); short protein forms G491V.
Identifiers: ClinVar variation 2139514 (VCV002139514.4), dbSNP rs1462468438, ClinGen allele CA352167765.
Genomic context (GRCh38, chr3:38,752,502, plus strand): 5'-CCAGGGGACCGGAAATGGAACACACTGCCATGACTAGCCCGGCGTTTTCCAGAGGCGAGG[C>A]CTAGAAAAGACTGGGCATTGCCCCAAAGGAGCAAGAAGGCTGGAAACTGGTCCTCTGGGA-3'
Protein context (NP_006505.4, residues 481-501): PYNQRRMSFL[Gly491Val]LASGKRRASH

ClinVar aggregate classification (germline): Uncertain significance (1 of 4 stars; one submission).

Conditions:
Brugada syndrome. Also called: Sudden unexpected nocturnal death syndrome; Sudden Unexplained Death Syndrome; Sudden Unexplained Nocturnal Death Syndrome (SUNDS); Sudden unexplained nocturnal death syndrome. Identifiers: Orphanet 130, MedGen C1142166, MONDO:0015263.

Submission:

Labcorp Genetics (formerly Invitae), Labcorp
Classification: Uncertain significance for Brugada syndrome. Last evaluated: 2022-05-27. Review status: criteria provided, single submitter. Criteria: Invitae Variant Classification Sherloc (09022015). Collection method: clinical testing. Allele origin: germline.
Comment: In summary, the available evidence is currently insufficient to determine the role of this variant in disease. Therefore, it has been classified as a Variant of Uncertain Significance. Algorithms developed to predict the effect of sequence changes on RNA splicing suggest that this variant may disrupt the consensus splice site. Algorithms developed to predict the effect of missense changes on protein structure and function (SIFT, PolyPhen-2, Align-GVGD) all suggest that this variant is likely to be tolerated. This variant has not been reported in the literature in individuals affected with SCN10A-related conditions. This variant is not present in population databases (gnomAD no frequency). This sequence change replaces glycine, which is neutral and non-polar, with valine, which is neutral and non-polar, at codon 491 of the SCN10A protein (p.Gly491Val).